The following is an entry in ClinVar:

NM_001379403.1(WDR26):c.1814C>T (p.Thr605Ile)

Gene: WDR26 (WD repeat domain 26; minus strand). Cytogenetic location: 1q42.11.
Variant type: single nucleotide variant.
Coding change: c.1814C>T on transcript NM_001379403.1 (MANE Select); coding-DNA position 1814, C replaced by T.
Protein change: p.Thr605Ile; replaces threonine 605 with isoleucine.
Molecular consequence: missense variant.
Genome position (GRCh38, 1-based): chr1:224,398,940, G>A on the plus strand (C>T on the coding strand, the complement: WDR26 is on the minus strand). VCF-style: chr1-224398940-G-A. GRCh37 (hg19) VCF-style: chr1-224586642-G-A.
Other names: c.1466C>T, p.Thr489Ile (NM_001115113.3); c.1514C>T, p.Thr505Ile (NM_025160.7); short protein forms T489I, T505I, T605I.
Identifiers: ClinVar variation 2504225 (VCV002504225.1), dbSNP rs1673333759, ClinGen allele CA344747149.

ClinVar aggregate classification (germline): Uncertain significance (1 of 4 stars; one submission).

Allele frequency attached by ClinVar (database versions not stated): TOPMed below 0.00001.

Submission:

GeneDx
Classification: Uncertain significance. Last evaluated: 2022-12-02. Review status: criteria provided, single submitter. Criteria: GeneDx Variant Classification Process June 2021. Collection method: clinical testing. Allele origin: germline. Affected: yes.
Comment: Not observed at significant frequency in large population cohorts (gnomAD); In silico analysis supports that this missense variant has a deleterious effect on protein structure/function; Has not been previously published as pathogenic or benign to our knowledge